The following is an entry in ClinVar:

ClinVar aggregate classification (germline): Conflicting classifications of pathogenicity. Review status: criteria provided, conflicting classifications (1 of 4 stars). 3 submissions from 3 submitters: Uncertain significance (1); Likely benign (1). 1 of the submissions does not count toward it. Last evaluated 2024-07-30.

Conditions:
Hereditary cancer-predisposing syndrome. Also called: Hereditary Cancer Syndrome; Hereditary neoplastic syndrome; Neoplastic Syndromes, Hereditary; Tumor predisposition. Identifiers: Orphanet 140162, MedGen C0027672, MeSH D009386, MONDO:0015356.
Fanconi anemia complementation group C (FANCC). Also called: FANCONI PANCYTOPENIA, TYPE 3; FACC; FANCC-Related Fanconi Anemia; Fanconi anemia, group C. Identifiers: Orphanet 84, MedGen C3468041, MONDO:0009213, OMIM 227645.

Allele frequency attached by ClinVar (database versions not stated): gnomAD exomes below 0.00001 and 0.00001.
gnomAD v4.1: 12 of 1,613,930 alleles (0.00074%); highest among the groups gnomAD compares: Non-Finnish European, 0.00093%; no homozygotes.

Submissions (3):

Ambry Genetics
Classification: Uncertain significance for Hereditary cancer-predisposing syndrome. Last evaluated: 2024-07-30. Review status: criteria provided, single submitter. Criteria: Ambry Variant Classification Scheme 2023. Collection method: clinical testing. Allele origin: germline.
Comment: The c.1071A>G variant (also known as p.Q357Q), located in coding exon 10 of the FANCC gene, results from an A to G substitution at nucleotide position 1071. This nucleotide substitution does not change the at codon 357. This nucleotide position is well conserved in available vertebrate species. In silico splice site analysis predicts that this alteration may weaken the native splice donor site. RNA studies have demonstrated that this alteration results in an incomplete splice defect; the clinical impact of this abnormal splicing is unknown at this time (Ambry internal data). Based on the available evidence, the clinical significance of this variant remains unclear.

GeneDx
Classification: Likely benign. Last evaluated: 2016-03-23. Review status: criteria provided, single submitter. Criteria: GeneDx Variant Classification (06012015). Collection method: clinical testing. Allele origin: germline. Affected: yes.
Comment: This variant is considered likely benign or benign based on one or more of the following criteria: it is a conservative change, it occurs at a poorly conserved position in the protein, it is predicted to be benign by multiple in silico algorithms, and/or has population frequency not consistent with disease.

Natera, Inc.
Classification: Likely benign for Fanconi anemia, group C. Last evaluated: 2020-09-16. Review status: no assertion criteria provided. Collection method: clinical testing. Allele origin: germline. Not counted in ClinVar's aggregate classification.

NM_000136.3(FANCC):c.1071A>G (p.Gln357=)

Genes: FANCC (FA complementation group C; minus strand), AOPEP (aminopeptidase O (putative); plus strand). Cytogenetic location: 9q22.32.
Variant type: single nucleotide variant.
Coding change: c.1071A>G on transcript NM_000136.3 (MANE Select); coding-DNA position 1071, A replaced by G.
Protein change: p.Gln357=; no amino-acid change (glutamine 357 retained).
Molecular consequence: synonymous variant.
Genome position (GRCh38, 1-based): chr9:95,117,316, T>C on the plus strand (A>G on the coding strand, the complement: FANCC is on the minus strand). VCF-style: chr9-95117316-T-C. GRCh37 (hg19) VCF-style: chr9-97879598-T-C.
Other names: c.1071A>G, p.Gln357= (NM_001243743.2, NM_001243744.2).
Identifiers: ClinVar variation 385122 (VCV000385122.6), dbSNP rs1057522128, ClinGen allele CA16605898.